The following is an entry in ClinVar:

NM_005026.5(PIK3CD):c.685C>T (p.Arg229Trp)

Gene: PIK3CD (phosphatidylinositol-4,5-bisphosphate 3-kinase catalytic subunit delta; plus strand). Cytogenetic location: 1p36.22.
Variant type: single nucleotide variant.
Coding change: c.685C>T on transcript NM_005026.5 (MANE Select); coding-DNA position 685, C replaced by T.
Protein change: p.Arg229Trp; replaces arginine 229 with tryptophan.
Molecular consequence: missense variant.
Genome position (GRCh38, 1-based): chr1:9,716,524, C>T. VCF-style: chr1-9716524-C-T. GRCh37 (hg19) VCF-style: chr1-9776582-C-T.
Other names: c.685C>T, p.Arg229Trp (NM_001350234.2, NM_001350235.1); short protein forms R229W.
Identifiers: ClinVar variation 1506049 (VCV001506049.8), dbSNP rs761298080, ClinGen allele CA576951.

ClinVar aggregate classification (germline): Uncertain significance (1 of 4 stars; one submission).

Conditions:
Immunodeficiency 14 (IMD14A). Also called: ACTIVATED PI3K-DELTA SYNDROME 1; Activated PI3K Delta Syndrome Type 1 (APDS1); p110-DELTA-ACTIVATING MUTATION CAUSING SENESCENT T CELLS, LYMPHADENOPATHY, AND IMMUNODEFICIENCY; IMMUNODEFICIENCY 14A WITH LYMPHOPROLIFERATION, AUTOSOMAL DOMINANT. Identifiers: Orphanet 397596, Orphanet 693661, MedGen C5907821, MONDO:0014222, OMIM 615513.

Allele frequency attached by ClinVar (database versions not stated): gnomAD exomes below 0.00001; TOPMed below 0.00001; gnomAD 0.00001; ExAC 0.00003.
gnomAD v4.1: 7 of 1,609,200 alleles (0.00043%); highest among the groups gnomAD compares: Non-Finnish European, 0.00059%; no homozygotes.

Submission:

Labcorp Genetics (formerly Invitae), Labcorp
Classification: Uncertain significance for Activated PI3K-delta syndrome. Last evaluated: 2022-08-23. Review status: criteria provided, single submitter. Criteria: Invitae Variant Classification Sherloc (09022015). Collection method: clinical testing. Allele origin: germline.
Comment: This variant is present in population databases (rs761298080, gnomAD 0.0009%). In summary, the available evidence is currently insufficient to determine the role of this variant in disease. Therefore, it has been classified as a Variant of Uncertain Significance. Algorithms developed to predict the effect of missense changes on protein structure and function (SIFT, PolyPhen-2, Align-GVGD) all suggest that this variant is likely to be disruptive. ClinVar contains an entry for this variant (Variation ID: 1506049). This variant has not been reported in the literature in individuals affected with PIK3CD-related conditions. This sequence change replaces arginine, which is basic and polar, with tryptophan, which is neutral and slightly polar, at codon 229 of the PIK3CD protein (p.Arg229Trp).